The following is an entry in ClinVar:

NM_001384140.1(PCDH15):c.1322_1323insGTCTCTA (p.His442fs)

Gene: PCDH15 (protocadherin related 15; minus strand). Cytogenetic location: 10q21.1.
Variant type: Insertion.
Coding change: c.1322_1323insGTCTCTA on transcript NM_001384140.1 (MANE Select); coding-DNA positions 1322 to 1323, GTCTCTA inserted.
Protein change: p.His442fs; shifts the reading frame from histidine 442.
Molecular consequence: frameshift variant.
Genome position: GRCh38 VCF-style: chr10-54185251-A-ATAGAGAC. GRCh37 (hg19) VCF-style: chr10-55945011-A-ATAGAGAC.
Other names: c.1337_1338insGTCTCTA, p.His447fs (NM_001142763.2, NM_001142771.2); c.1322_1323insGTCTCTA, p.His442fs (NM_001142764.2, NM_001142765.2, NM_001142766.2 and 6 more transcripts); c.1211_1212insGTCTCTA, p.His405fs (NM_001142767.2); c.1256_1257insGTCTCTA, p.His420fs (NM_001142768.2, NM_001142773.2, NM_001354404.2); c.1358_1359insGTCTCTA, p.His454Serfs (NM_001142769.4); c.1343_1344insGTCTCTA, p.His449fs (NM_001354411.2); short protein forms H405fs, H420fs, H442fs, H447fs, H449fs, H454fs.
Identifiers: ClinVar variation 1726374 (VCV001726374.2), dbSNP rs2539510522, ClinGen allele CA2580081653.

ClinVar aggregate classification (germline): Likely pathogenic (1 of 4 stars; one submission).

Conditions:
Usher syndrome type 1D (USH1D). Also called: USHER SYNDROME, TYPE ID. Identifiers: Orphanet 231169, Orphanet 886, MedGen C1832845, MONDO:0010984, OMIM 601067.

Submission:

Myriad Genetics, Inc.
Classification: Likely pathogenic for Usher syndrome type 1D. Last evaluated: 2021-12-16. Review status: criteria provided, single submitter. Criteria: Myriad Women's Health Autosomal Recessive and X-Linked Classification Criteria (2021). Collection method: clinical testing. Allele origin: unknown.
Comment: NM_033056.3(PCDH15):c.1322_1323ins7(H442Sfs*8) is expected to be pathogenic in the context of PCDH15-related disorders. This variant is predicted to lead to an abnormal or absent protein product due to the creation of a premature termination codon in PCDH15, a gene where loss-of-function variants are known to be pathogenic. Please note: this variant was assessed in the context of healthy population screening.